The following is an entry in ClinVar:

ClinVar aggregate classification (germline): Uncertain significance. Review status: criteria provided, multiple submitters, no conflicts (2 of 4 stars). 6 submissions from 6 submitters: Uncertain significance (6). Last evaluated 2025-05-29.

Conditions:
Inborn genetic diseases. Identifiers: MedGen C0950123, MeSH D030342.
Marinesco-Sjögren syndrome (MSS). Also called: Marinesco-Sjogren Syndrome; Marinesco-SjÃ¶gren syndrome. Identifiers: Orphanet 559, MedGen C0024814, MONDO:0009567, OMIM 248800.

Allele frequency attached by ClinVar (database versions not stated): ExAC 0.00013; gnomAD exomes 0.00014; gnomAD 0.00015; TOPMed 0.00018.
gnomAD v4.1: 232 of 1,570,264 alleles (0.015%); highest among the groups gnomAD compares: East Asian, 0.024%; no homozygotes.

Submissions (6):

GeneDx
Classification: Uncertain significance. Last evaluated: 2025-05-29. Review status: criteria provided, single submitter. Criteria: GeneDx Variant Classification Process June 2021. Collection method: clinical testing. Allele origin: germline. Affected: yes.
Comment: In silico analysis supports that this missense variant has a deleterious effect on protein structure/function; Has not been previously published as pathogenic or benign to our knowledge

Ambry Genetics
Classification: Uncertain significance for Inborn genetic diseases. Last evaluated: 2024-05-24. Review status: criteria provided, single submitter. Criteria: Ambry Variant Classification Scheme 2023. Collection method: clinical testing. Allele origin: germline.

Women's Health and Genetics/Laboratory Corporation of America, LabCorp
Classification: Uncertain significance. Last evaluated: 2023-07-21. Review status: criteria provided, single submitter. Criteria: LabCorp Variant Classification Summary - May 2015. Collection method: clinical testing. Allele origin: germline.
Comment: Variant summary: SIL1 c.913C>T (p.Arg305Trp) results in a non-conservative amino acid change in the encoded protein sequence. Three of five in-silico tools predict a benign effect of the variant on protein function. The variant allele was found at a frequency of 0.00013 in 176168 control chromosomes (gnomAD). To our knowledge, no occurrence of c.913C>T in individuals affected with Marinesco-Sjogren Syndrome and no experimental evidence demonstrating its impact on protein function have been reported. Two submitters have cited clinical-significance assessments for this variant to ClinVar after 2014. All submitters classified the variant as uncertain significance. Based on the evidence outlined above, the variant was classified as uncertain significance.

Labcorp Genetics (formerly Invitae), Labcorp
Classification: Uncertain significance for Marinesco-Sjögren syndrome. Last evaluated: 2022-09-26. Review status: criteria provided, single submitter. Criteria: Invitae Variant Classification Sherloc (09022015). Collection method: clinical testing. Allele origin: germline.
Comment: This sequence change replaces arginine, which is basic and polar, with tryptophan, which is neutral and slightly polar, at codon 305 of the SIL1 protein (p.Arg305Trp). This variant is present in population databases (rs758782317, gnomAD 0.05%). This variant has not been reported in the literature in individuals affected with SIL1-related conditions. ClinVar contains an entry for this variant (Variation ID: 1375828). Advanced modeling of protein sequence and biophysical properties (such as structural, functional, and spatial information, amino acid conservation, physicochemical variation, residue mobility, and thermodynamic stability) performed at Invitae indicates that this missense variant is not expected to disrupt SIL1 protein function. In summary, the available evidence is currently insufficient to determine the role of this variant in disease. Therefore, it has been classified as a Variant of Uncertain Significance.

Department of Pathology and Laboratory Medicine, Sinai Health System
Classification: Uncertain significance for Marinesco-Sjögren syndrome. Last evaluated: 2022-05-25. Review status: criteria provided, single submitter. Criteria: ACMG Guidelines, 2015. Collection method: research. Allele origin: germline.

Revvity Omics, Revvity
Classification: Uncertain significance for Marinesco-Sjögren syndrome. Last evaluated: 2021-11-27. Review status: criteria provided, single submitter. Criteria: ACMG Guidelines, 2015. Collection method: clinical testing. Allele origin: germline.

NM_022464.5(SIL1):c.913C>T (p.Arg305Trp)

Gene: SIL1 (SIL1 nucleotide exchange factor; minus strand). Cytogenetic location: 5q31.2.
Variant type: single nucleotide variant.
Coding change: c.913C>T on transcript NM_022464.5 (MANE Select); coding-DNA position 913, C replaced by T.
Protein change: p.Arg305Trp; replaces arginine 305 with tryptophan.
Molecular consequence: missense variant.
Genome position (GRCh38, 1-based): chr5:138,951,287, G>A on the plus strand (C>T on the coding strand, the complement: SIL1 is on the minus strand). VCF-style: chr5-138951287-G-A. GRCh37 (hg19) VCF-style: chr5-138286976-G-A.
Other names: c.913C>T (NM_022464.4); c.913C>T, p.Arg305Trp (NM_001037633.2); short protein forms R305W.
Identifiers: ClinVar variation 1375828 (VCV001375828.9), dbSNP rs758782317, ClinGen allele CA3432442.